The following is an entry in ClinVar:

NM_007294.4(BRCA1):c.3902G>T (p.Ser1301Ile)

Genes: BRCA1 (BRCA1 DNA repair associated; minus strand), LOC126862571 (BRD4-independent group 4 enhancer GRCh37_chr17:41243136-41244335; plus strand). Cytogenetic location: 17q21.31.
Variant type: single nucleotide variant.
Coding change: c.3902G>T on transcript NM_007294.4 (MANE Select); coding-DNA position 3902, G replaced by T.
Protein change: p.Ser1301Ile; replaces serine 1301 with isoleucine.
Molecular consequence: missense variant. On other transcripts: intron variant (135).
Genome position (GRCh38, 1-based): chr17:43,091,629, C>A on the plus strand (G>T on the coding strand, the complement: BRCA1 is on the minus strand). VCF-style: chr17-43091629-C-A. GRCh37 (hg19) VCF-style: chr17-41243646-C-A.
Other names: c.3776G>T, p.Ser1259Ile (NM_001407673.1, NM_001407649.1, NM_001407670.1 and 11 more transcripts); c.788-597G>T (NM_001407970.1, NM_001407980.1, NM_001407993.1 and 17 more transcripts); c.3779G>T, p.Ser1260Ile (NM_001407674.1, NM_001407675.1, NM_001407676.1 and 19 more transcripts); c.3689G>T, p.Ser1230Ile (NM_001407571.1, NM_001407853.1, NM_001407894.1 and 9 more transcripts); c.3902G>T, p.Ser1301Ile (NM_001407581.1, NM_001407582.1, NM_001407583.1 and 30 more transcripts); c.3899G>T, p.Ser1300Ile (NM_001407587.1, NM_001407590.1, NM_001407591.1 and 22 more transcripts); c.3893G>T, p.Ser1298Ile (NM_001407646.1, NM_001407647.1); c.3824G>T, p.Ser1275Ile (NM_001407653.1, NM_001407654.1, NM_001407655.1 and 4 more transcripts); and 41 more; short protein forms S1133I, S1174I, S1231I, S1301I, S1005I, S1173I, S1230I, S1253I.
Identifiers: ClinVar variation 2771887 (VCV002771887.3), dbSNP rs1057519496, ClinGen allele CA10594159.

ClinVar aggregate classification (germline): Uncertain significance (1 of 4 stars; one submission).

Conditions:
Hereditary breast ovarian cancer syndrome. Also called: Hereditary breast and ovarian cancer syndrome; Hereditary breast and ovarian cancer syndrome (HBOC); BRCA1- and BRCA2-Associated Hereditary Breast and Ovarian Cancer; Hereditary breast and ovarian cancer; Breast and ovarian cancer; Hereditary breast and/or ovarian cancer syndrome. Identifiers: Orphanet 145, MedGen C0677776, MeSH D061325, MONDO:0003582. Disease mechanism: loss of function.

gnomAD v4.1: 1 of 1,614,226 alleles (0.000062%); highest among the groups gnomAD compares: Non-Finnish European, 0.000085%; no homozygotes.

Submission:

Labcorp Genetics (formerly Invitae), Labcorp
Classification: Uncertain significance for Hereditary breast ovarian cancer syndrome. Last evaluated: 2025-04-23. Review status: criteria provided, single submitter. Criteria: Invitae Variant Classification Sherloc (09022015). Collection method: clinical testing. Allele origin: germline.
Comment: This sequence change replaces serine, which is neutral and polar, with isoleucine, which is neutral and non-polar, at codon 1301 of the BRCA1 protein (p.Ser1301Ile). This variant is not present in population databases (gnomAD no frequency). This variant has not been reported in the literature in individuals affected with BRCA1-related conditions. ClinVar contains an entry for this variant (Variation ID: 2771887). Invitae Evidence Modeling of protein sequence and biophysical properties (such as structural, functional, and spatial information, amino acid conservation, physicochemical variation, residue mobility, and thermodynamic stability) indicates that this missense variant is expected to disrupt BRCA1 protein function with a positive predictive value of 80%. In summary, the available evidence is currently insufficient to determine the role of this variant in disease. Therefore, it has been classified as a Variant of Uncertain Significance.